The following is an entry in ClinVar:

ClinVar aggregate classification (germline): Likely benign (1 of 4 stars; one submission).

Allele frequency attached by ClinVar (database versions not stated): 1000 Genomes Project 0.00140; 1000 Genomes Project 30x 0.00172.
gnomAD v4.1: 480 of 1,521,128 alleles (0.032%); highest among the groups gnomAD compares: Admixed American, 0.55%; 2 homozygotes.

Submission:

CeGaT Center for Human Genetics Tuebingen
Classification: Likely benign. Last evaluated: 2022-05-01. Review status: criteria provided, single submitter. Criteria: CeGaT Center For Human Genetics Tuebingen Variant Classification Criteria Version 2. Collection method: clinical testing. Allele origin: germline. Affected: yes. Observed: 1 variant allele.
Comment: CFAP92: BP4, BP7

NM_001394090.1(CFAP92):c.1512C>A (p.Gly504=)

Gene: CFAP92 (cilia and flagella associated protein 92 (putative); minus strand). Cytogenetic location: 3q21.3.
Variant type: single nucleotide variant.
Coding change: c.1512C>A on transcript NM_001394090.1 (MANE Select); coding-DNA position 1512, C replaced by A.
Protein change: p.Gly504=; no amino-acid change (glycine 504 retained).
Molecular consequence: synonymous variant.
Genome position (GRCh38, 1-based): chr3:128,945,817, G>T on the plus strand (C>A on the coding strand, the complement: CFAP92 is on the minus strand). VCF-style: chr3-128945817-G-T. GRCh37 (hg19) VCF-style: chr3-128664660-G-T.
Other names: c.639C>A, p.Gly213= (NM_001348520.2); c.543C>A, p.Gly181= (NM_001348521.2).
Identifiers: ClinVar variation 2654116 (VCV002654116.24), dbSNP rs191574528, ClinGen allele CA2601965.
Genomic context (GRCh38, chr3:128,945,817, plus strand): 5'-CTTCTGAGAACACTCCTCTGACTTGCGGTCCCGGTCGTGAACTTCCACCACCATGGGGGG[G>T]CCCTCCAGGTATTCCCTTAGGTCACTGGGGTGCAGTGCCCCAAGGAAGATGACGTTGATG-3'
Protein context (NP_001381019.1, residues 494-514): HPSDLREYLE[Gly504=]PPMVVEVHDR